The following is an entry in ClinVar:

NM_016628.5(WAC):c.583A>G (p.Thr195Ala)

Gene: WAC (WW domain containing adaptor with coiled-coil; plus strand). Cytogenetic location: 10p12.1.
Variant type: single nucleotide variant.
Coding change: c.583A>G on transcript NM_016628.5 (MANE Select); coding-DNA position 583, A replaced by G.
Protein change: p.Thr195Ala; replaces threonine 195 with alanine.
Molecular consequence: missense variant.
Genome position (GRCh38, 1-based): chr10:28,590,805, A>G. VCF-style: chr10-28590805-A-G. GRCh37 (hg19) VCF-style: chr10-28879734-A-G.
Other names: c.448A>G, p.Thr150Ala (NM_100264.3); c.583A>G, p.Thr195Ala (NM_100486.4); short protein forms T150A, T195A.
Identifiers: ClinVar variation 723708 (VCV000723708.26), dbSNP rs188384010, ClinGen allele CA5454830.

ClinVar aggregate classification (germline): Benign/Likely benign. Review status: criteria provided, multiple submitters, no conflicts (2 of 4 stars). 5 submissions from 5 submitters: Benign (3); Likely benign (2). Last evaluated 2024-05-01.

Conditions:
DeSanto-Shinawi syndrome due to WAC point mutation (DESSH). Also called: WAC-Related Intellectual Disability; Facial dysmorphism-developmental delay-behavioral abnormalities syndrome due to WAC point mutation; DEVELOPMENTAL DELAY, BEHAVIORAL ABNORMALITIES, FACIAL DYSMORPHISM, AND OCULAR ABNORMALITIES. Identifiers: Orphanet 284169, Orphanet 466950, MedGen C5681129, MONDO:0014741, OMIM 616708.
Inborn genetic diseases. Identifiers: MedGen C0950123, MeSH D030342.

Allele frequency attached by ClinVar (database versions not stated): gnomAD exomes 0.00016; gnomAD 0.00140 and 0.00150; TOPMed 0.00143; 1000 Genomes Project 30x 0.00203.
gnomAD v4.1: 459 of 1,610,804 alleles (0.028%); highest among the groups gnomAD compares: African/African-American, 0.51%; no homozygotes.

Submissions (5):

CeGaT Center for Human Genetics Tuebingen
Classification: Likely benign. Last evaluated: 2024-05-01. Review status: criteria provided, single submitter. Criteria: CeGaT Center For Human Genetics Tuebingen Variant Classification Criteria Version 2. Collection method: clinical testing. Allele origin: germline. Affected: yes. Observed: 1 variant allele.
Comment: WAC: BP4, BS1

Ambry Genetics
Classification: Likely benign for Inborn genetic diseases. Last evaluated: 2024-04-23. Review status: criteria provided, single submitter. Criteria: Ambry Variant Classification Scheme 2023. Collection method: clinical testing. Allele origin: germline.

GeneDx
Classification: Benign. Last evaluated: 2020-05-30. Review status: criteria provided, single submitter. Criteria: GeneDx Variant Classification Process June 2021. Collection method: clinical testing. Allele origin: germline. Affected: yes.

Department of Pathology and Laboratory Medicine, Sinai Health System
Classification: Benign for DeSanto-Shinawi syndrome due to WAC point mutation. Last evaluated: 2020-05-08. Review status: criteria provided, single submitter. Criteria: ACMG Guidelines, 2015. Collection method: research. Allele origin: germline.

Labcorp Genetics (formerly Invitae), Labcorp
Classification: Benign. Last evaluated: 2018-05-18. Review status: criteria provided, single submitter. Criteria: Invitae Variant Classification Sherloc (09022015). Collection method: clinical testing. Allele origin: germline.